The following is an entry in ClinVar:

ClinVar aggregate classification (germline): Conflicting classifications of pathogenicity. Review status: criteria provided, conflicting classifications (1 of 4 stars). 2 submissions from 2 submitters: Uncertain significance (1); Likely benign (1). Last evaluated 2026-04-27.

Conditions:
ADAMTS9-related disorder. Also called: ADAMTS9-related condition.

gnomAD v4.1: 136 of 1,613,970 alleles (0.0084%); highest among the groups gnomAD compares: African/African-American, 0.16%; no homozygotes.

Submissions (2):

PreventionGenetics, part of Exact Sciences
Classification: Likely benign for ADAMTS9-related condition. Last evaluated: 2026-04-27. Review status: criteria provided, single submitter. Criteria: ACMG Guidelines, 2015. Collection method: clinical testing. Allele origin: germline.
Comment: This variant is classified as likely benign based on ACMG/AMP sequence variant interpretation guidelines (Richards et al. 2015 PMID: 25741868, with internal and published modifications).

Ambry Genetics
Classification: Uncertain significance. Last evaluated: 2025-03-04. Review status: criteria provided, single submitter. Criteria: Ambry Variant Classification Scheme 2023. Collection method: clinical testing. Allele origin: germline.

NM_182920.2(ADAMTS9):c.5533C>G (p.Gln1845Glu)

Gene: ADAMTS9 (ADAM metallopeptidase with thrombospondin type 1 motif 9; minus strand). Cytogenetic location: 3p14.1.
Variant type: single nucleotide variant.
Coding change: c.5533C>G on transcript NM_182920.2 (MANE Select); coding-DNA position 5533, C replaced by G.
Protein change: p.Gln1845Glu; replaces glutamine 1845 with glutamic acid.
Molecular consequence: missense variant.
Genome position (GRCh38, 1-based): chr3:64,539,283, G>C on the plus strand (C>G on the coding strand, the complement: ADAMTS9 is on the minus strand). VCF-style: chr3-64539283-G-C. GRCh37 (hg19) VCF-style: chr3-64524959-G-C.
Other names: c.5449C>G, p.Gln1817Glu (NM_001318781.2); short protein forms Q1817E, Q1845E.
Identifiers: ClinVar variation 3831437 (VCV003831437.2).
Genomic context (GRCh38, chr3:64,539,283, plus strand): 5'-TGTAGCAATCCCCGGCTGTGGCAAAAGGGACGGGATGTCCTTCGCTTGTCCTTGCAAACT[G>C]TAAGTCAGTGGCTGTGGGGTGGAGAAGGGGTTAAAGGCAGGGGAAGGTAAGAGTGGGAGA-3'
Protein context (NP_891550.1, residues 1835-1855): TSMQIITTDL[Gln1845Glu]FARTSEGHPV